The following is an entry in ClinVar:

ClinVar aggregate classification (germline): Likely benign. Review status: criteria provided, single submitter (1 of 4 stars). 2 submissions from 2 submitters: Likely benign (1). 1 of the submissions does not count toward it. Last evaluated 2025-08-04.

Conditions:
VPS13B-related disorder. Also called: VPS13B-related condition.
Cohen syndrome (COH1). Also called: Cutis verticis gyrata, retinitis pigmentosa, and sensorineural deafness; PEPPER SYNDROME. Identifiers: Orphanet 193, MedGen C0265223, MONDO:0008999, OMIM 216550.

Allele frequency attached by ClinVar (database versions not stated): gnomAD exomes below 0.00001.
gnomAD v4.1: 1 of 1,613,944 alleles (0.000062%); highest among the groups gnomAD compares: East Asian, 0.0022%; no homozygotes.

Submissions (2):

PreventionGenetics, part of Exact Sciences
Classification: Likely benign for VPS13B-related condition. Last evaluated: 2025-08-04. Review status: criteria provided, single submitter. Criteria: ACMG Guidelines, 2015. Collection method: clinical testing. Allele origin: germline.
Comment: This variant is classified as likely benign based on ACMG/AMP sequence variant interpretation guidelines (Richards et al. 2015 PMID: 25741868, with internal and published modifications).

Counsyl
Classification: Likely benign for Cohen syndrome. Last evaluated: 2018-03-02. Review status: no assertion criteria provided. Collection method: clinical testing. Allele origin: unknown. Not counted in ClinVar's aggregate classification.

NM_152564.5(VPS13B):c.4158G>A (p.Arg1386=)

Gene: VPS13B (vacuolar protein sorting 13 homolog B; plus strand). Cytogenetic location: 8q22.2.
Variant type: single nucleotide variant.
Coding change: c.4158G>A on transcript NM_152564.5 (MANE Select); coding-DNA position 4158, G replaced by A.
Protein change: p.Arg1386=; no amino-acid change (arginine 1386 retained).
Molecular consequence: synonymous variant. On other transcripts: intron variant (1).
Genome position (GRCh38, 1-based): chr8:99,507,137, G>A. VCF-style: chr8-99507137-G-A. GRCh37 (hg19) VCF-style: chr8-100519365-G-A.
Other names: c.4158-633G>A (NM_017890.5); c.4158G>A (NM_152564.4).
Identifiers: ClinVar variation 557016 (VCV000557016.3), dbSNP rs1554824647, ClinGen allele CA658821868.